The following is an entry in ClinVar:

NM_001378615.1(CC2D2A):c.1498del (p.Glu500fs)

Genes: CC2D2A (coiled-coil and C2 domain containing 2A; plus strand), FBXL5 (F-box and leucine rich repeat protein 5; minus strand). Cytogenetic location: 4p15.32.
Variant type: Deletion.
Coding change: c.1498del on transcript NM_001378615.1 (MANE Select); coding-DNA position 1498, one base deleted (G; older notation c.1498delG).
Protein change: p.Glu500fs; shifts the reading frame from glutamic acid 500.
Molecular consequence: frameshift variant.
Genome position (GRCh38, 1-based): chr4:15,533,224, G deleted. VCF-style (leftmost placement, unchanged base first): chr4-15533223-AG-A. GRCh37 (hg19) VCF-style: chr4-15534846-AG-A.
Other names: c.1498del, p.Glu500fs (NM_001080522.2); c.1351del, p.Glu451fs (NM_001378617.1); short protein forms E451fs, E500fs.
Identifiers: ClinVar variation 2950324 (VCV002950324.3), dbSNP rs2474965222, ClinGen allele CA2740091227.

ClinVar aggregate classification (germline): Pathogenic (1 of 4 stars; one submission).

Conditions:
Joubert syndrome. Also called: JOUBERT-BOLTSHAUSER SYNDROME; Familial aplasia of the vermis. Identifiers: Orphanet 475, MedGen C5979921, MONDO:0018772.
Meckel-Gruber syndrome. Also called: DYSENCEPHALIA SPLANCHNOCYSTICA; GRUBER SYNDROME; Dysencephalia splachnocystica. Identifiers: Orphanet 564, MedGen C0265215, MONDO:0018921.

Submission:

Labcorp Genetics (formerly Invitae), Labcorp
Classification: Pathogenic for Joubert syndrome; Meckel-Gruber syndrome. Last evaluated: 2023-07-26. Review status: criteria provided, single submitter. Criteria: Invitae Variant Classification Sherloc (09022015). Collection method: clinical testing. Allele origin: germline.
Comment: For these reasons, this variant has been classified as Pathogenic. Algorithms developed to predict the effect of sequence changes on RNA splicing suggest that this variant may disrupt the consensus splice site. This variant has not been reported in the literature in individuals affected with CC2D2A-related conditions. This variant is not present in population databases (gnomAD no frequency). This sequence change creates a premature translational stop signal (p.Glu500Lysfs*11) in the CC2D2A gene. It is expected to result in an absent or disrupted protein product. Loss-of-function variants in CC2D2A are known to be pathogenic (PMID: 19777577).

Literature cited by the submitters: PubMed 19777577.